The following is an entry in ClinVar:

ClinVar aggregate classification (germline): Uncertain significance (1 of 4 stars; one submission).

Submission:

Labcorp Genetics (formerly Invitae), Labcorp
Classification: Uncertain significance. Last evaluated: 2022-04-15. Review status: criteria provided, single submitter. Criteria: Invitae Variant Classification Sherloc (09022015). Collection method: clinical testing. Allele origin: germline.
Comment: In summary, the available evidence is currently insufficient to determine the role of this variant in disease. Therefore, it has been classified as a Variant of Uncertain Significance. Algorithms developed to predict the effect of missense changes on protein structure and function (SIFT, PolyPhen-2, Align-GVGD) all suggest that this variant is likely to be disruptive. This variant has not been reported in the literature in individuals affected with PRDM13-related conditions. This variant is not present in population databases (gnomAD no frequency). This sequence change replaces histidine, which is basic and polar, with aspartic acid, which is acidic and polar, at codon 619 of the PRDM13 protein (p.His619Asp).

NM_021620.4(PRDM13):c.1855C>G (p.His619Asp)

Gene: PRDM13 (PR/SET domain 13; plus strand). Cytogenetic location: 6q16.2.
Variant type: single nucleotide variant.
Coding change: c.1855C>G on transcript NM_021620.4 (MANE Select); coding-DNA position 1855, C replaced by G.
Protein change: p.His619Asp; replaces histidine 619 with aspartic acid.
Molecular consequence: missense variant.
Genome position (GRCh38, 1-based): chr6:99,614,490, C>G. VCF-style: chr6-99614490-C-G. GRCh37 (hg19) VCF-style: chr6-100062366-C-G.
Other names: short protein forms H619D.
Identifiers: ClinVar variation 2126362 (VCV002126362.4), dbSNP rs2538547862, ClinGen allele CA365121943.